The following is an entry in ClinVar:

NM_053025.4(MYLK):c.4106A>T (p.Glu1369Val)

Gene: MYLK (myosin light chain kinase; minus strand). Cytogenetic location: 3q21.1.
Variant type: single nucleotide variant.
Coding change: c.4106A>T on transcript NM_053025.4 (MANE Select); coding-DNA position 4106, A replaced by T.
Protein change: p.Glu1369Val; replaces glutamic acid 1369 with valine.
Molecular consequence: missense variant.
Genome position (GRCh38, 1-based): chr3:123,657,308, T>A on the plus strand (A>T on the coding strand, the complement: MYLK is on the minus strand). VCF-style: chr3-123657308-T-A. GRCh37 (hg19) VCF-style: chr3-123376155-T-A.
Other names: c.3578A>T, p.Glu1193Val (NM_001321309.2); c.3899A>T, p.Glu1300Val (NM_053026.4, NM_053028.4); c.4106A>T, p.Glu1369Val (NM_053027.4); short protein forms E1300V, E1369V, E1193V.
Identifiers: ClinVar variation 3646270 (VCV003646270.2).
Genomic context (GRCh38, chr3:123,657,308, plus strand): 5'-AAAGAGGTGCTGCGGCATGTGGCTAGTTCCTTCCACGTCTTGTTGGCTGAGTCCCAGATC[T>A]CGATGCTGTAGGACTGTACAGCACTGCCCCCATCATATGAGGAGCCATACCAGGACAGGG-3'
Protein context (NP_444253.3, residues 1359-1379): GGSAVQSYSI[Glu1369Val]IWDSANKTWK

ClinVar aggregate classification (germline): Uncertain significance (1 of 4 stars; one submission).

Conditions:
Aortic aneurysm, familial thoracic 7 (AAT7). Also called: AORTIC DISSECTION, FAMILIAL, WITH OR WITHOUT AORTIC ANEURYSM. Identifiers: MedGen C3151077, MONDO:0013418, OMIM 613780.

Submission:

Labcorp Genetics (formerly Invitae), Labcorp
Classification: Uncertain significance for Aortic aneurysm, familial thoracic 7. Last evaluated: 2024-03-16. Review status: criteria provided, single submitter. Criteria: Invitae Variant Classification Sherloc (09022015). Collection method: clinical testing. Allele origin: germline.
Comment: This sequence change replaces glutamic acid, which is acidic and polar, with valine, which is neutral and non-polar, at codon 1369 of the MYLK protein (p.Glu1369Val). This variant is not present in population databases (gnomAD no frequency). This variant has not been reported in the literature in individuals affected with MYLK-related conditions. Advanced modeling of protein sequence and biophysical properties (such as structural, functional, and spatial information, amino acid conservation, physicochemical variation, residue mobility, and thermodynamic stability) performed at Invitae indicates that this missense variant is not expected to disrupt MYLK protein function with a negative predictive value of 80%. In summary, the available evidence is currently insufficient to determine the role of this variant in disease. Therefore, it has been classified as a Variant of Uncertain Significance.